The following is an entry in ClinVar:

ClinVar aggregate classification (germline): Benign (0 of 4 stars; one submission).

Conditions:
SPTBN5-related disorder. Also called: SPTBN5-related condition.

Allele frequency attached by ClinVar (database versions not stated): 1000 Genomes Project 0.01298; 1000 Genomes Project 30x 0.01405; TOPMed 0.03276; gnomAD 0.03604; ESP Exome Variant Server 0.03697; ExAC 0.04872; gnomAD exomes 0.04976.
gnomAD v4.1: 77,093 of 1,598,290 alleles (4.8%); highest among the groups gnomAD compares: Non-Finnish European, 5.8%; 2,209 homozygotes.

Submission:

PreventionGenetics, part of Exact Sciences
Classification: Benign for SPTBN5-related condition. Last evaluated: 2019-12-06. Review status: no assertion criteria provided. Collection method: clinical testing. Allele origin: germline.
Comment: This variant is classified as benign based on ACMG/AMP sequence variant interpretation guidelines (Richards et al. 2015 PMID: 25741868, with internal and published modifications).

NM_016642.4(SPTBN5):c.10855A>G (p.Ile3619Val)

Gene: SPTBN5 (spectrin beta, non-erythrocytic 5; minus strand). Cytogenetic location: 15q15.1.
Variant type: single nucleotide variant.
Coding change: c.10855A>G on transcript NM_016642.4 (MANE Select); coding-DNA position 10855, A replaced by G.
Protein change: p.Ile3619Val; replaces isoleucine 3619 with valine.
Molecular consequence: missense variant.
Genome position (GRCh38, 1-based): chr15:41,850,920, T>C on the plus strand (A>G on the coding strand, the complement: SPTBN5 is on the minus strand). VCF-style: chr15-41850920-T-C. GRCh37 (hg19) VCF-style: chr15-42143118-T-C.
Other names: short protein forms I3619V.
Identifiers: ClinVar variation 3057154 (VCV003057154.2), dbSNP rs78489122, ClinGen allele CA7500714.